The following is an entry in ClinVar:

ClinVar aggregate classification (germline): Uncertain significance (1 of 4 stars; one submission).

Conditions:
Atrioventricular septal defect 4 (AVSD4). Identifiers: MedGen C3280781, MONDO:0013747, OMIM 614430.

Submission:

Labcorp Genetics (formerly Invitae), Labcorp
Classification: Uncertain significance for Atrioventricular septal defect 4. Last evaluated: 2024-03-28. Review status: criteria provided, single submitter. Criteria: Invitae Variant Classification Sherloc (09022015). Collection method: clinical testing. Allele origin: germline.
Comment: This variant, c.86_88del, results in the deletion of 1 amino acid(s) of the GATA4 protein (p.Gly29del), but otherwise preserves the integrity of the reading frame. This variant is not present in population databases (gnomAD no frequency). This variant has not been reported in the literature in individuals affected with GATA4-related conditions. Experimental studies and prediction algorithms are not available or were not evaluated, and the functional significance of this variant is currently unknown. In summary, the available evidence is currently insufficient to determine the role of this variant in disease. Therefore, it has been classified as a Variant of Uncertain Significance.

NM_001308093.3(GATA4):c.86_88del (p.Gly29del)

Gene: GATA4 (GATA binding protein 4). Cytogenetic location: 8p23.1.
Variant type: Deletion.
Coding change: c.86_88del on transcript NM_001308093.3 (MANE Select); coding-DNA positions 86 to 88, 3 bases deleted.
Protein change: p.Gly29del; deletes glycine 29.
Molecular consequence: intron variant (on NM_001308094.2).
Genome position: GRCh38 VCF-style: chr8-11708395-ACGG-A. GRCh37 (hg19) VCF-style: chr8-11565904-ACGG-A.
Other names: c.86_88del, p.Gly29del (NM_002052.5); c.-6+7620_-6+7622del (NM_001308094.2); c.-3+384_-3+386del (NM_001374274.1); c.-3+4094_-3+4096del (NM_001374273.1); short protein forms G29del.
Identifiers: ClinVar variation 3633607 (VCV003633607.2).